The following is an entry in ClinVar:

NM_001013838.3(CARMIL2):c.2557C>T (p.Gln853Ter)

Gene: CARMIL2 (capping protein regulator and myosin 1 linker 2; plus strand). Cytogenetic location: 16q22.1.
Variant type: single nucleotide variant.
Coding change: c.2557C>T on transcript NM_001013838.3 (MANE Select); coding-DNA position 2557, C replaced by T.
Protein change: p.Gln853Ter; replaces glutamine 853 with a stop codon.
Molecular consequence: nonsense.
Genome position (GRCh38, 1-based): chr16:67,651,814, C>T. VCF-style: chr16-67651814-C-T. GRCh37 (hg19) VCF-style: chr16-67685717-C-T.
Other names: c.2449C>T, p.Gln817Ter (NM_001317026.3); short protein forms Q853*, Q817*.
Identifiers: ClinVar variation 565280 (VCV000565280.2), dbSNP rs1567632864, ClinGen allele CA396341449.

ClinVar aggregate classification (germline): Pathogenic. Review status: criteria provided, single submitter (1 of 4 stars). 2 submissions from 2 submitters: Pathogenic (1). 1 of the submissions does not count toward it. Last evaluated 2019-01-08.

Conditions:
Severe combined immunodeficiency due to CARMIL2 deficiency. Also called: IMMUNODEFICIENCY 58. Identifiers: Orphanet 542301, MedGen C4748304, MONDO:0029134, OMIM 618131.

Allele frequency attached by ClinVar (database versions not stated): gnomAD exomes below 0.00001.

Submissions (2):

SIB Swiss Institute of Bioinformatics
Classification: Pathogenic for Severe combined immunodeficiency due to CARMIL2 deficiency. Last evaluated: 2019-01-08. Review status: criteria provided, single submitter. Criteria: ACMG Guidelines, 2015. Collection method: curation. Allele origin: unknown.
Comment: This variant is interpreted as a Pathogenic for Immunodeficiency 58, autosomal recessive. The following ACMG Tag(s) were applied: PM2 : Absent from controls (or at extremely low frequency if recessive) in Exome Sequencing Project, 1000 Genomes Project, or Exome Aggregation Consortium. PP1 : Cosegregation with disease in multiple affected family members in a gene definitively known to cause the disease (PMID:27647349). PM1 : Located in a mutational hot spot and/or critical and well-established functional domain (e.g., active site of an enzyme) without benign variation. PVS1-Moderate : Computational and predictive data-PVS1 downgraded in strength to Moderate. PS3 : Well-established functional studies show a deleterious effect (PMID:27647349).

OMIM
Classification: Pathogenic for IMMUNODEFICIENCY 58. Last evaluated: 2018-09-28. Review status: no assertion criteria provided. Collection method: literature only. Allele origin: germline. Not counted in ClinVar's aggregate classification.

Literature cited by the submitters: PubMed 27647349 (cited by SIB Swiss Institute of Bioinformatics and OMIM).